The following is an entry in ClinVar:

ClinVar aggregate classification (germline): Uncertain significance (1 of 4 stars; one submission).

Submission:

Labcorp Genetics (formerly Invitae), Labcorp
Classification: Uncertain significance. Last evaluated: 2025-12-30. Review status: criteria provided, single submitter. Criteria: Invitae Variant Classification Sherloc (09022015). Collection method: clinical testing. Allele origin: germline.
Comment: This sequence change replaces aspartic acid, which is acidic and polar, with glutamic acid, which is acidic and polar, at codon 239 of the TNFRSF9 protein (p.Asp239Glu). This variant is not present in population databases (gnomAD no frequency). This variant has not been reported in the literature in individuals affected with TNFRSF9-related conditions. An algorithm developed to predict the effect of missense changes on protein structure and function (PolyPhen-2) suggests that this variant is likely to be tolerated. In summary, the available evidence is currently insufficient to determine the role of this variant in disease. Therefore, it has been classified as a Variant of Uncertain Significance.

NM_001561.6(TNFRSF9):c.717T>A (p.Asp239Glu)

Gene: TNFRSF9 (TNF receptor superfamily member 9; minus strand). Cytogenetic location: 1p36.23.
Variant type: single nucleotide variant.
Coding change: c.717T>A on transcript NM_001561.6 (MANE Select); coding-DNA position 717, T replaced by A.
Protein change: p.Asp239Glu; replaces aspartic acid 239 with glutamic acid.
Molecular consequence: missense variant.
Genome position (GRCh38, 1-based): chr1:7,920,886, A>T on the plus strand (T>A on the coding strand, the complement: TNFRSF9 is on the minus strand). VCF-style: chr1-7920886-A-T. GRCh37 (hg19) VCF-style: chr1-7980946-A-T.
Other names: short protein forms D239E.
Identifiers: ClinVar variation 4753924 (VCV004753924.1).